The following is an entry in ClinVar:

NM_001396959.1(TBC1D1):c.3748dup (p.Arg1250fs)

Gene: TBC1D1 (TBC1 domain family member 1; plus strand). Cytogenetic location: 4p14.
Variant type: Duplication.
Coding change: c.3748dup on transcript NM_001396959.1 (MANE Select); coding-DNA position 3748, one base duplicated (C; older notation c.3748dupC).
Protein change: p.Arg1250fs; shifts the reading frame from arginine 1250.
Molecular consequence: frameshift variant.
Genome position (GRCh38, 1-based): chr4:38,137,294, C duplicated; the last of 2 consecutive C bases (chr4:38,137,293-38,137,294); duplicating either gives the same sequence. VCF-style (leftmost placement, unchanged base first): chr4-38137292-A-AC. GRCh37 (hg19) VCF-style: chr4-38138913-A-AC.
Other names: c.3466dup (NM_015173.3); c.3439dup, p.Arg1147fs (NM_001253912.2); c.757dup, p.Arg253fs (NM_001253913.2, NM_001253914.2); c.502dup, p.Arg168fs (NM_001253915.2); c.3466dup, p.Arg1156fs (NM_015173.4); short protein forms R1147fs, R1156fs, R168fs, R253fs, R1250fs.
Identifiers: ClinVar variation 794446 (VCV000794446.7), dbSNP rs767762010, ClinGen allele CA2888393.

ClinVar aggregate classification (germline): Likely benign. Review status: criteria provided, single submitter (1 of 4 stars). 2 submissions from 2 submitters: Likely benign (1). 1 of the submissions does not count toward it. Last evaluated 2019-12-31.

Conditions:
TBC1D1-related disorder. Also called: TBC1D1-related condition.

Submissions (2):

Labcorp Genetics (formerly Invitae), Labcorp
Classification: Likely benign. Last evaluated: 2019-12-31. Review status: criteria provided, single submitter. Criteria: Invitae Variant Classification Sherloc (09022015). Collection method: clinical testing. Allele origin: germline.

PreventionGenetics, part of Exact Sciences
Classification: Likely benign for TBC1D1-related condition. Last evaluated: 2021-03-08. Review status: no assertion criteria provided. Collection method: clinical testing. Allele origin: germline. Not counted in ClinVar's aggregate classification.
Comment: This variant is classified as likely benign based on ACMG/AMP sequence variant interpretation guidelines (Richards et al. 2015 PMID: 25741868, with internal and published modifications).